The following is an entry in ClinVar:

ClinVar aggregate classification (germline): Likely pathogenic. Review status: criteria provided, multiple submitters, no conflicts (2 of 4 stars). 2 submissions from 2 submitters: Likely pathogenic (2). Last evaluated 2023-10-11.

Conditions:
Autosomal recessive limb-girdle muscular dystrophy type 2J (LGMDR10). Also called: Limb-girdle muscular dystrophy, type 2J; MUSCULAR DYSTROPHY, LIMB-GIRDLE, AUTOSOMAL RECESSIVE 10. Identifiers: Orphanet 140922, MedGen C1837342, MONDO:0012127, OMIM 608807.
Dilated cardiomyopathy 1G (CMD1G). Identifiers: Orphanet 154, MedGen C1858763, MONDO:0011400, OMIM 604145.
Cardiovascular phenotype. Identifiers: MedGen CN230736.

Submissions (2):

Labcorp Genetics (formerly Invitae), Labcorp
Classification: Likely pathogenic for Dilated cardiomyopathy 1G; Autosomal recessive limb-girdle muscular dystrophy type 2J. Last evaluated: 2023-10-11. Review status: criteria provided, single submitter. Criteria: Invitae Variant Classification Sherloc (09022015). Collection method: clinical testing. Allele origin: germline.
Comment: This sequence change creates a premature translational stop signal (p.Asn29172Lysfs*16) in the TTN gene. While this is not anticipated to result in nonsense mediated decay, it is expected to create a truncated TTN protein. This variant is not present in population databases (gnomAD no frequency). This variant has not been reported in the literature in individuals affected with TTN-related conditions. ClinVar contains an entry for this variant (Variation ID: 1751189). This variant is located in the A band of TTN (PMID: 25589632). Truncating variants in this region are significantly overrepresented in patients affected with dilated cardiomyopathy (PMID: 25589632). Truncating variants in this region have also been reported in individuals affected with autosomal recessive centronuclear myopathy (PMID: 23975875). In summary, the currently available evidence indicates that the variant is pathogenic, but additional data are needed to prove that conclusively. Therefore, this variant has been classified as Likely Pathogenic.

Ambry Genetics
Classification: Likely pathogenic for Cardiovascular phenotype. Last evaluated: 2022-09-06. Review status: criteria provided, single submitter. Criteria: Ambry Variant Classification Scheme 2023. Collection method: clinical testing. Allele origin: germline.
Comment: The c.60320dupA (p.N20107Kfs*16) alteration, located in exon 156 (coding exon 155) of the TTN gene, consists of a duplication of A at position 60320, causing a translational frameshift with a predicted alternate stop codon after 16 amino acids. This alteration is expected to result in loss of function by premature protein truncation or nonsense-mediated mRNA decay. This variant was not reported in population-based cohorts in the Genome Aggregation Database (gnomAD). This exon is located in the A-band region of the N2-B isoform of the titin protein and is constitutively expressed in TTN transcripts (percent spliced in or PSI 100%). While truncating variants in TTN are present in 1-3% of the general population, truncating variants in the A-band are the most common cause of dilated cardiomyopathy (DCM) (Herman, 2012; Roberts, 2015). TTN truncating variants encoded in constitutive exons (PSI >90%) have been found to be significantly associated with DCM regardless of their position in titin (Schafer, 2017). Based on the available evidence, this alteration is classified as likely pathogenic.

Literature cited by the submitters: PubMed 25589632 (cited by Labcorp Genetics (formerly Invitae), Labcorp and Ambry Genetics); PubMed 23975875 (cited by Labcorp Genetics (formerly Invitae), Labcorp); PubMed 22335739 (cited by Ambry Genetics); PubMed 27869827 (cited by Ambry Genetics).

NM_001267550.2(TTN):c.87515dup (p.Asn29172fs)

Genes: TTN-AS1 (TTN antisense RNA 1; plus strand), TTN (titin; minus strand). Cytogenetic location: 2q31.2.
Variant type: Duplication.
Coding change: c.87515dup on transcript NM_001267550.2 (MANE Select); coding-DNA position 87515, one base duplicated (A; older notation c.87515dupA).
Protein change: p.Asn29172fs; shifts the reading frame from asparagine 29172.
Molecular consequence: frameshift variant.
Genome position (GRCh38, 1-based): chr2:178,557,839, T duplicated on the plus strand (A on the coding strand, the reverse complement: TTN is on the minus strand); the first of 2 consecutive T bases (chr2:178,557,839-178,557,840); duplicating either gives the same sequence. VCF-style (leftmost placement, unchanged base first): chr2-178557838-G-GT. GRCh37 (hg19) VCF-style: chr2-179422565-G-GT.
Other names: c.82592dup, p.Asn27531fs (NM_001256850.1); c.60320dup, p.Asn20107fs (NM_003319.4); c.79811dup, p.Asn26604fs (NM_133378.4); c.60695dup, p.Asn20232fs (NM_133432.3); c.60896dup, p.Asn20299fs (NM_133437.4); c.60320dupA (NM_003319.4); short protein forms N20299fs, N26604fs, N20107fs, N20232fs, N27531fs, N29172fs.
Identifiers: ClinVar variation 1751189 (VCV001751189.5), dbSNP rs2469547329, ClinGen allele CA2580064717.